The following is an entry in ClinVar:

NM_001042492.3(NF1):c.7820A>G (p.Glu2607Gly)

Gene: NF1 (neurofibromin 1; plus strand). Cytogenetic location: 17q11.2.
Variant type: single nucleotide variant.
Coding change: c.7820A>G on transcript NM_001042492.3 (MANE Select); coding-DNA position 7820, A replaced by G.
Protein change: p.Glu2607Gly; replaces glutamic acid 2607 with glycine.
Molecular consequence: missense variant.
Genome position (GRCh38, 1-based): chr17:31,357,041, A>G. VCF-style: chr17-31357041-A-G. GRCh37 (hg19) VCF-style: chr17-29684059-A-G.
Other names: c.7757A>G, p.Glu2586Gly (NM_000267.4); short protein forms E2607G, E2586G.
Identifiers: ClinVar variation 827241 (VCV000827241.5), dbSNP rs1597866483, ClinGen allele CA399018568.

ClinVar aggregate classification (germline): Uncertain significance (1 of 4 stars; one submission).

Conditions:
Hereditary cancer-predisposing syndrome. Also called: Neoplastic Syndromes, Hereditary; Tumor predisposition; Hereditary neoplastic syndrome; Hereditary Cancer Syndrome. Identifiers: Orphanet 140162, MedGen C0027672, MeSH D009386, MONDO:0015356.
Cardiovascular phenotype. Identifiers: MedGen CN230736.

Submission:

Ambry Genetics
Classification: Uncertain significance for Cardiovascular phenotype; Hereditary cancer-predisposing syndrome. Last evaluated: 2024-11-27. Review status: criteria provided, single submitter. Criteria: Ambry Variant Classification Scheme 2023. Collection method: clinical testing. Allele origin: germline.
Comment: The p.E2586G variant (also known as c.7757A>G), located in coding exon 52 of the NF1 gene, results from an A to G substitution at nucleotide position 7757. The glutamic acid at codon 2586 is replaced by glycine, an amino acid with similar properties. This amino acid position is highly conserved in available vertebrate species. In addition, this alteration is predicted to be tolerated by in silico analysis. Since supporting evidence is limited at this time, the clinical significance of this alteration remains unclear.